The following is an entry in ClinVar:

NM_001128225.3(SLC39A13):c.577A>G (p.Asn193Asp)

Gene: SLC39A13 (solute carrier family 39 member 13; plus strand). Cytogenetic location: 11p11.2.
Variant type: single nucleotide variant.
Coding change: c.577A>G on transcript NM_001128225.3 (MANE Select); coding-DNA position 577, A replaced by G.
Protein change: p.Asn193Asp; replaces asparagine 193 with aspartic acid.
Molecular consequence: missense variant. On other transcripts: non-coding transcript variant (1), intron variant (4).
Genome position (GRCh38, 1-based): chr11:47,413,439, A>G. VCF-style: chr11-47413439-A-G. GRCh37 (hg19) VCF-style: chr11-47434990-A-G.
Other names: c.577A>G, p.Asn193Asp (NM_001330245.2, NM_001441271.1, NM_001441273.1 and 1 more transcripts); c.538-158A>G (NM_001441272.1, NM_001441275.1, NM_001441276.1); c.537+972A>G (NM_001441274.1); short protein forms N193D.
Identifiers: ClinVar variation 4882573 (VCV004882573.2).
Genomic context (GRCh38, chr11:47,413,439, plus strand): 5'-CCCTCCTTCTCCTGGCCCTAGGCCCCCAACAAAGACCCCACTGCTGCTGCCGCCGCGCTC[A>G]ATGGAGGCCACTGTCTGGCCCAGCCGGCTGCAGAGCCCGGCCTCGGTGCCGTGGTCCGGA-3'
Protein context (NP_001121697.2, residues 183-203): KDPTAAAAAL[Asn193Asp]GGHCLAQPAA

ClinVar aggregate classification (germline): Uncertain significance (1 of 4 stars; one submission).

Submission:

Dasa
Classification: Uncertain significance. Last evaluated: 2025-04-07. Review status: criteria provided, single submitter. Criteria: DASA Assertion Criteria. Collection method: clinical testing. Allele origin: germline.
Comment: NM_001128225.3(SLC39A13):c.577A>G (p.Asn193Asp) is a missense variant that results in the substitution of asparagine with aspartic acid. This variant is absent from population databases. Computational prediction algorithms are consistent with a benign effect. The currently available literature and clinical evidence are not sufficient to establish a definitive association between this variant and the reported condition. Therefore, this variant is classified as a variant of uncertain significance.